The following is an entry in ClinVar:

NC_000011.10:g.797700G>A

Genes: PANO1 (proapoptotic nucleolar protein 1; plus strand), SLC25A22 (solute carrier family 25 member 22; minus strand). Cytogenetic location: 11p15.5.
Variant type: single nucleotide variant.
Molecular consequence: intron variant (on NM_001191061.2). On other transcripts: 5 prime UTR variant (1).
Genome position: GRCh38 VCF-style: chr11-797700-G-A. GRCh37 (hg19) VCF-style: chr11-797700-G-A.
Other names: c.-252C>T (NM_001191060.2); c.-164+517C>T (NM_001191061.2).
Identifiers: ClinVar variation 2641093 (VCV002641093.24), dbSNP rs533726085, ClinGen allele CA216949539.

ClinVar aggregate classification (germline): Likely benign (1 of 4 stars; one submission).

Allele frequency attached by ClinVar (database versions not stated): 1000 Genomes Project 30x 0.00016; 1000 Genomes Project 0.00020; gnomAD 0.00025; TOPMed 0.00025; gnomAD exomes 0.00036.

Submission:

CeGaT Center for Human Genetics Tuebingen
Classification: Likely benign. Last evaluated: 2022-11-01. Review status: criteria provided, single submitter. Criteria: CeGaT Center For Human Genetics Tuebingen Variant Classification Criteria Version 2. Collection method: clinical testing. Allele origin: germline. Affected: yes. Observed: 1 variant allele.
Comment: PANO1: BP4, BP7